The following is an entry in ClinVar:

ClinVar aggregate classification (germline): Likely pathogenic (1 of 4 stars; one submission).

Conditions:
Zellweger spectrum disorders (ZS). Also called: Zellweger Spectrum Disorder; Zellweger Spectrum; Zellweger Spectrum Disorder (ZSD); Zellweger syndrome. Identifiers: Orphanet 912, MedGen C0043459, MONDO:0019609.

Submission:

Labcorp Genetics (formerly Invitae), Labcorp
Classification: Likely pathogenic for Zellweger spectrum disorders. Last evaluated: 2022-11-12. Review status: criteria provided, single submitter. Criteria: Invitae Variant Classification Sherloc (09022015). Collection method: clinical testing. Allele origin: germline.
Comment: This sequence change affects a donor splice site in intron 16 of the PEX1 gene. It is expected to disrupt RNA splicing. Variants that disrupt the donor or acceptor splice site typically lead to a loss of protein function (PMID: 16199547), and loss-of-function variants in PEX1 are known to be pathogenic (PMID: 9398847, 16086329, 16141001, 21031596, 26387595, 31831025). This variant is not present in population databases (gnomAD no frequency). This variant has not been reported in the literature in individuals affected with PEX1-related conditions. Algorithms developed to predict the effect of sequence changes on RNA splicing suggest that this variant may disrupt the consensus splice site. In summary, the currently available evidence indicates that the variant is pathogenic, but additional data are needed to prove that conclusively. Therefore, this variant has been classified as Likely Pathogenic.

Literature cited by the submitters: PubMed 16199547; PubMed 9398847; PubMed 16086329; PubMed 16141001; PubMed 21031596; PubMed 26387595; PubMed 31831025.

NM_000466.3(PEX1):c.2718+1G>A

Gene: PEX1 (peroxisomal biogenesis factor 1; minus strand). Cytogenetic location: 7q21.2.
Variant type: single nucleotide variant.
Coding change: c.2718+1G>A on transcript NM_000466.3 (MANE Select); the canonical splice donor site of the intron after coding-DNA position 2718, G replaced by A.
Molecular consequence: splice donor variant.
Genome position (GRCh38, 1-based): chr7:92,499,703, C>T on the plus strand (G>A on the coding strand, the complement: PEX1 is on the minus strand). VCF-style: chr7-92499703-C-T. GRCh37 (hg19) VCF-style: chr7-92129017-C-T.
Other names: c.2547+1G>A (NM_001282677.2); c.2094+1G>A (NM_001282678.2).
Identifiers: ClinVar variation 2813738 (VCV002813738.3), dbSNP rs2484655081, ClinGen allele CA368173067.